The following is an entry in ClinVar:

NM_020759.3(STARD9):c.10315G>A (p.Glu3439Lys)

Gene: STARD9 (StAR related lipid transfer domain containing 9; plus strand). Cytogenetic location: 15q15.2.
Variant type: single nucleotide variant.
Coding change: c.10315G>A on transcript NM_020759.3 (MANE Select); coding-DNA position 10315, G replaced by A.
Protein change: p.Glu3439Lys; replaces glutamic acid 3439 with lysine.
Molecular consequence: missense variant.
Genome position (GRCh38, 1-based): chr15:42,691,893, G>A. VCF-style: chr15-42691893-G-A. GRCh37 (hg19) VCF-style: chr15-42984091-G-A.
Other names: short protein forms E3439K.
Identifiers: ClinVar variation 2635301 (VCV002635301.1), dbSNP rs1479010829, ClinGen allele CA392075682.

ClinVar aggregate classification (germline): Uncertain significance (1 of 4 stars; one submission).

Conditions:
STARD9-related disorder. Also called: STARD9-related condition.

Allele frequency attached by ClinVar (database versions not stated): TOPMed 0.00001.

Submission:

PreventionGenetics, part of Exact Sciences
Classification: Uncertain significance for STARD9-related condition. Last evaluated: 2022-12-22. Review status: criteria provided, single submitter. Criteria: ACMG Guidelines, 2015. Collection method: clinical testing. Allele origin: germline.
Comment: The STARD9 c.10315G>A variant is predicted to result in the amino acid substitution p.Glu3439Lys. To our knowledge, this variant has not been reported in the literature or in a large population database, indicating this variant is rare. At this time, the clinical significance of this variant is uncertain due to the absence of conclusive functional and genetic evidence.